The following is an entry in ClinVar:

ClinVar aggregate classification (germline): Uncertain significance (1 of 4 stars; one submission).

gnomAD v4.1: 8 of 1,612,638 alleles (0.0005%); highest among the groups gnomAD compares: Non-Finnish European, 0.00059%; no homozygotes.

Submission:

Labcorp Genetics (formerly Invitae), Labcorp
Classification: Uncertain significance. Last evaluated: 2025-01-01. Review status: criteria provided, single submitter. Criteria: Invitae Variant Classification Sherloc (09022015). Collection method: clinical testing. Allele origin: germline.
Comment: This sequence change replaces proline, which is neutral and non-polar, with alanine, which is neutral and non-polar, at codon 307 of the PIGB protein (p.Pro307Ala). This variant is not present in population databases (gnomAD no frequency). This variant has not been reported in the literature in individuals affected with PIGB-related conditions. Invitae Evidence Modeling of protein sequence and biophysical properties (such as structural, functional, and spatial information, amino acid conservation, physicochemical variation, residue mobility, and thermodynamic stability) indicates that this missense variant is not expected to disrupt PIGB protein function with a negative predictive value of 80%. In summary, the available evidence is currently insufficient to determine the role of this variant in disease. Therefore, it has been classified as a Variant of Uncertain Significance.

NM_004855.5(PIGB):c.919C>G (p.Pro307Ala)

Gene: PIGB (phosphatidylinositol glycan anchor biosynthesis class B; plus strand). Cytogenetic location: 15q21.3.
Variant type: single nucleotide variant.
Coding change: c.919C>G on transcript NM_004855.5 (MANE Select); coding-DNA position 919, C replaced by G.
Protein change: p.Pro307Ala; replaces proline 307 with alanine.
Molecular consequence: missense variant.
Genome position (GRCh38, 1-based): chr15:55,340,684, C>G. VCF-style: chr15-55340684-C-G. GRCh37 (hg19) VCF-style: chr15-55632882-C-G.
Other names: short protein forms P307A.
Identifiers: ClinVar variation 3702108 (VCV003702108.1).